The following is an entry in ClinVar:

ClinVar aggregate classification (germline): Likely benign. Review status: criteria provided, multiple submitters, no conflicts (2 of 4 stars). 2 submissions from 2 submitters: Likely benign (2). Last evaluated 2025-04-28.

Conditions:
SPTLC1-related disorder. Also called: SPTLC1-related condition.

Allele frequency attached by ClinVar (database versions not stated): gnomAD exomes below 0.00001; ExAC 0.00001.
gnomAD v4.1: 1 of 1,599,162 alleles (0.000063%); highest among the groups gnomAD compares: East Asian, 0.0022%; no homozygotes.

Submissions (2):

PreventionGenetics, part of Exact Sciences
Classification: Likely benign for SPTLC1-related condition. Last evaluated: 2025-04-28. Review status: criteria provided, single submitter. Criteria: ACMG Guidelines, 2015. Collection method: clinical testing. Allele origin: germline.
Comment: This variant is classified as likely benign based on ACMG/AMP sequence variant interpretation guidelines (Richards et al. 2015 PMID: 25741868, with internal and published modifications).

Labcorp Genetics (formerly Invitae), Labcorp
Classification: Likely benign. Last evaluated: 2018-01-24. Review status: criteria provided, single submitter. Criteria: Invitae Variant Classification Sherloc (09022015). Collection method: clinical testing. Allele origin: germline.

NM_006415.4(SPTLC1):c.789A>G (p.Leu263=)

Gene: SPTLC1 (serine palmitoyltransferase long chain base subunit 1; minus strand). Cytogenetic location: 9q22.31.
Variant type: single nucleotide variant.
Coding change: c.789A>G on transcript NM_006415.4 (MANE Select); coding-DNA position 789, A replaced by G.
Protein change: p.Leu263=; no amino-acid change (leucine 263 retained).
Molecular consequence: synonymous variant.
Genome position (GRCh38, 1-based): chr9:92,050,059, T>C on the plus strand (A>G on the coding strand, the complement: SPTLC1 is on the minus strand). VCF-style: chr9-92050059-T-C. GRCh37 (hg19) VCF-style: chr9-94812341-T-C.
Other names: c.789A>G, p.Leu263= (NM_001281303.2); c.423A>G, p.Leu141= (NM_001368272.1); c.324A>G, p.Leu108= (NM_001368273.1).
Identifiers: ClinVar variation 722124 (VCV000722124.4), dbSNP rs781743122, ClinGen allele CA5121421.